The following is an entry in ClinVar:

ClinVar aggregate classification (germline): Pathogenic (1 of 4 stars; one submission).

Conditions:
Fanconi anemia (FA). Also called: Fanconi's anemia. Identifiers: Orphanet 84, MedGen C0015625, MeSH D005199, MONDO:0019391.

Submission:

Labcorp Genetics (formerly Invitae), Labcorp
Classification: Pathogenic for Fanconi anemia. Last evaluated: 2022-02-05. Review status: criteria provided, single submitter. Criteria: Invitae Variant Classification Sherloc (09022015). Collection method: clinical testing. Allele origin: germline.
Comment: For these reasons, this variant has been classified as Pathogenic. This variant has not been reported in the literature in individuals affected with SLX4-related conditions. This variant is not present in population databases (gnomAD no frequency). This sequence change creates a premature translational stop signal (p.Thr1446Profs*19) in the SLX4 gene. It is expected to result in an absent or disrupted protein product. Loss-of-function variants in SLX4 are known to be pathogenic (PMID: 21240277).

Literature cited by the submitters: PubMed 21240277.

NM_032444.4(SLX4):c.4336_4340del (p.Thr1446fs)

Gene: SLX4 (SLX4 structure-specific endonuclease subunit; minus strand). Cytogenetic location: 16p13.3.
Variant type: Deletion.
Coding change: c.4336_4340del on transcript NM_032444.4 (MANE Select); coding-DNA positions 4336 to 4340, 5 bases deleted (ACCGG; older notation c.4336_4340delACCGG).
Protein change: p.Thr1446fs; shifts the reading frame from threonine 1446.
Molecular consequence: frameshift variant.
Genome position (GRCh38, 1-based): chr16:3,589,298-3,589,302, CCGGT deleted on the plus strand (ACCGG on the coding strand, the reverse complement: SLX4 is on the minus strand); deleting any 5 consecutive bases within chr16:3,589,298-3,589,305 gives the same sequence; the c. name uses the placement nearest the transcript's 3' end. VCF-style (leftmost placement, unchanged base first): chr16-3589297-GCCGGT-G. GRCh37 (hg19) VCF-style: chr16-3639298-GCCGGT-G.
Other names: short protein forms T1446fs.
Identifiers: ClinVar variation 1913866 (VCV001913866.5), dbSNP rs2548211131, ClinGen allele CA2575892792.